The following is an entry in ClinVar:

NM_006767.4(LZTR1):c.1735del (p.Val579fs)

Gene: LZTR1 (leucine zipper like post translational regulator 1; plus strand). Cytogenetic location: 22q11.21.
Variant type: Deletion.
Coding change: c.1735del on transcript NM_006767.4 (MANE Select); coding-DNA position 1735, one base deleted (G; older notation c.1735delG).
Protein change: p.Val579fs; shifts the reading frame from valine 579.
Molecular consequence: frameshift variant.
Genome position (GRCh38, 1-based): chr22:20,994,677, G deleted. VCF-style (leftmost placement, unchanged base first): chr22-20994676-CG-C. GRCh37 (hg19) VCF-style: chr22-21348965-CG-C.
Other names: short protein forms V579fs.
Identifiers: ClinVar variation 2725368 (VCV002725368.3), dbSNP rs2518621930, ClinGen allele CA2697547694.

ClinVar aggregate classification (germline): Pathogenic (1 of 4 stars; one submission).

Submission:

Labcorp Genetics (formerly Invitae), Labcorp
Classification: Pathogenic. Last evaluated: 2024-04-29. Review status: criteria provided, single submitter. Criteria: Invitae Variant Classification Sherloc (09022015). Collection method: clinical testing. Allele origin: germline.
Comment: This sequence change creates a premature translational stop signal (p.Val579Cysfs*13) in the LZTR1 gene. It is expected to result in an absent or disrupted protein product. Loss-of-function variants in LZTR1 are known to be pathogenic (PMID: 24362817, 25335493, 25480913, 25795793, 29469822, 30368668, 30442762, 30442766, 30481304, 30859559). This variant is not present in population databases (gnomAD no frequency). This variant has not been reported in the literature in individuals affected with LZTR1-related conditions. For these reasons, this variant has been classified as Pathogenic.

Literature cited by the submitters: PubMed 24362817; PubMed 25335493; PubMed 25480913; PubMed 25795793; PubMed 29469822; PubMed 30368668; PubMed 30442762; PubMed 30442766; PubMed 30481304; PubMed 30859559.